The following is an entry in ClinVar:

ClinVar aggregate classification (germline): Pathogenic (1 of 4 stars; one submission).

Conditions:
Hereditary cancer-predisposing syndrome. Also called: Tumor predisposition; Hereditary Cancer Syndrome; Hereditary neoplastic syndrome; Neoplastic Syndromes, Hereditary. Identifiers: Orphanet 140162, MedGen C0027672, MeSH D009386, MONDO:0015356.

Submission:

Ambry Genetics
Classification: Pathogenic for Hereditary cancer-predisposing syndrome. Last evaluated: 2024-06-21. Review status: criteria provided, single submitter. Criteria: Ambry Variant Classification Scheme 2023. Collection method: clinical testing. Allele origin: germline.
Comment: The p.E554* pathogenic mutation (also known as c.1660G>T), located in coding exon 4 of the PALB2 gene, results from a G to T substitution at nucleotide position 1660. This changes the amino acid from a glutamic acid to a stop codon within coding exon 4. This variant is considered to be rare based on population cohorts in the Genome Aggregation Database (gnomAD). This alteration is expected to result in loss of function by premature protein truncation or nonsense-mediated mRNA decay. As such, this alteration is interpreted as a disease-causing mutation.

NM_024675.4(PALB2):c.1660G>T (p.Glu554Ter)

Gene: PALB2 (partner and localizer of BRCA2; minus strand). Cytogenetic location: 16p12.2.
Variant type: single nucleotide variant.
Coding change: c.1660G>T on transcript NM_024675.4 (MANE Select); coding-DNA position 1660, G replaced by T.
Protein change: p.Glu554Ter; replaces glutamic acid 554 with a stop codon.
Molecular consequence: nonsense. On other transcripts: intron variant (3).
Genome position (GRCh38, 1-based): chr16:23,634,886, C>A on the plus strand (G>T on the coding strand, the complement: PALB2 is on the minus strand). VCF-style: chr16-23634886-C-A. GRCh37 (hg19) VCF-style: chr16-23646207-C-A.
Other names: c.775G>T, p.Glu259Ter (NM_001407308.1, NM_001407309.1, NM_001407310.1 and 5 more transcripts); c.-104-4417G>T (NM_001407313.1, NM_001407312.1); c.1600G>T, p.Glu534Ter (NM_001407296.1); c.1660G>T, p.Glu554Ter (NM_001407297.1, NM_001407298.1, NM_001407299.1 and 3 more transcripts); c.49-5611G>T (NM_001407314.1); short protein forms E554*, E534*, E259*.
Identifiers: ClinVar variation 3304011 (VCV003304011.1).